The following is an entry in ClinVar:

NM_001077350.3(NPRL3):c.118+3_118+6del

Genes: HBA-LCR (alpha-globin locus control region; plus strand), NPRL3 (NPR3 like, GATOR1 complex subunit; minus strand). Cytogenetic location: 16p13.3.
Variant type: Microsatellite.
Coding change: c.118+3_118+6del on transcript NM_001077350.3 (MANE Select); bases 3 to 6 of the intron after coding-DNA position 118, 4 bases deleted (AAGT; older notation c.118+3_118+6delAAGT).
Molecular consequence: splice donor variant.
Genome position (GRCh38, 1-based): chr16:138,144-138,147, ACTT deleted on the plus strand (AAGT on the coding strand, the reverse complement: NPRL3 is on the minus strand); deleting any 4 consecutive bases within chr16:138,144-138,151 gives the same sequence; the c. name uses the placement nearest the transcript's 3' end. VCF-style (leftmost placement, unchanged base first): chr16-138143-CACTT-C. GRCh37 (hg19) VCF-style: chr16-188142-CACTT-C.
Other names: c.118+3_118+6delAAGT (NM_001077350.2); c.-254+3_-254+6del (NM_001243247.2); c.118+3_118+6del (NM_001243248.2, NM_001243249.2); c.-215+3_-215+6del (NM_001039476.3).
Identifiers: ClinVar variation 643953 (VCV000643953.9), dbSNP rs1312109237, ClinGen allele CA718214502.

ClinVar aggregate classification (germline): Uncertain significance. Review status: criteria provided, multiple submitters, no conflicts (2 of 4 stars). 3 submissions from 3 submitters: Uncertain significance (3). Last evaluated 2025-04-10.

Conditions:
Epilepsy, familial focal, with variable foci 3 (FFEVF3). Identifiers: MedGen C4310708, MONDO:0014925, OMIM 617118.

Submissions (3):

GeneDx
Classification: Uncertain significance. Last evaluated: 2025-04-10. Review status: criteria provided, single submitter. Criteria: GeneDx Variant Classification Process June 2021. Collection method: clinical testing. Allele origin: germline. Affected: yes.
Comment: Not observed at significant frequency in large population cohorts (gnomAD); In silico analysis is inconclusive as to whether the variant alters gene splicing. In the absence of RNA/functional studies, the actual effect of this sequence change is unknown.; Has not been previously published as pathogenic or benign to our knowledge

Labcorp Genetics (formerly Invitae), Labcorp
Classification: Uncertain significance for Epilepsy, familial focal, with variable foci 3. Last evaluated: 2023-12-11. Review status: criteria provided, single submitter. Criteria: Invitae Variant Classification Sherloc (09022015). Collection method: clinical testing. Allele origin: germline.
Comment: This sequence change falls in intron 2 of the NPRL3 gene. It does not directly change the encoded amino acid sequence of the NPRL3 protein. It affects a nucleotide within the consensus splice site. This variant is not present in population databases (gnomAD no frequency). This variant has not been reported in the literature in individuals affected with NPRL3-related conditions. ClinVar contains an entry for this variant (Variation ID: 643953). Variants that disrupt the consensus splice site are a relatively common cause of aberrant splicing (PMID: 17576681, 9536098). Algorithms developed to predict the effect of sequence changes on RNA splicing suggest that this variant may disrupt the consensus splice site. In summary, the available evidence is currently insufficient to determine the role of this variant in disease. Therefore, it has been classified as a Variant of Uncertain Significance.

Institute of Human Genetics, University of Leipzig Medical Center
Classification: Uncertain significance for Epilepsy, familial focal, with variable foci 3. Last evaluated: 2023-08-28. Review status: criteria provided, single submitter. Criteria: ACMG Guidelines, 2015. Collection method: clinical testing. Allele origin: unknown. Inheritance: Autosomal dominant inheritance. Affected: yes.
Comment: Criteria applied: PM2_SUP,PP3

Literature cited by the submitters: PubMed 17576681 (cited by Labcorp Genetics (formerly Invitae), Labcorp); PubMed 9536098 (cited by Labcorp Genetics (formerly Invitae), Labcorp).